The following is an entry in ClinVar:

NM_203475.3(PORCN):c.1100G>A (p.Arg367His)

Gene: PORCN (porcupine O-acyltransferase; plus strand). Cytogenetic location: Xp11.23.
Variant type: single nucleotide variant.
Coding change: c.1100G>A on transcript NM_203475.3 (MANE Select); coding-DNA position 1100, G replaced by A.
Protein change: p.Arg367His; replaces arginine 367 with histidine.
Molecular consequence: missense variant. On other transcripts: non-coding transcript variant (2).
Genome position (GRCh38, 1-based): chrX:48,516,073, G>A. VCF-style: chrX-48516073-G-A. GRCh37 (hg19) VCF-style: chrX-48374461-G-A.
Other names: c.854G>A, p.Arg285His (NM_001282167.2); c.1424G>A, p.Arg475His (NM_001441333.1); c.1406G>A, p.Arg469His (NM_001441334.1); c.1172G>A, p.Arg391His (NM_001441335.1); c.1259G>A, p.Arg420His (NM_001441336.1); c.1067G>A, p.Arg356His (NM_022825.4); c.1085G>A, p.Arg362His (NM_203473.3); c.1082G>A, p.Arg361His (NM_203474.1); short protein forms R285H, R356H, R361H, R362H, R367H, R391H, R420H, R469H.
Identifiers: ClinVar variation 4882427 (VCV004882427.2).

ClinVar aggregate classification (germline): Uncertain significance (1 of 4 stars; one submission).

gnomAD v4.1: 11 of 1,211,559 alleles (0.00091%); highest among the groups gnomAD compares: South Asian, 0.007%; no homozygotes.

Submission:

Dasa
Classification: Uncertain significance. Last evaluated: 2025-07-17. Review status: criteria provided, single submitter. Criteria: DASA Assertion Criteria. Collection method: clinical testing. Allele origin: germline.
Comment: NM_203475.3(PORCN):c.1100G>A (p.Arg367His) is a missense variant that results in the substitution of arginine with histidine. This variant is rare in population databases. The currently available literature and clinical evidence are not sufficient to establish a definitive association between this variant and the reported condition. Therefore, this variant is classified as a variant of uncertain significance.